The following is an entry in ClinVar:

ClinVar aggregate classification (germline): Uncertain significance (1 of 4 stars; one submission).

Conditions:
Type A2 brachydactyly (BDA2). Also called: BRACHYMESOPHALANGY II; MOHR-WRIEDT TYPE BRACHYDACTYLY; Brachymesophalangy type 2. Identifiers: Orphanet 93396, MedGen C1832702, MONDO:0007216, OMIM 112600, HP:0009372.
Acromesomelic dysplasia 3 (AMD3). Also called: CHONDRODYSPLASIA, ACROMESOMELIC, WITH OR WITHOUT GENITAL ANOMALIES; Acromesomelic dysplasia, Demirhan type. Identifiers: MedGen C4225404, MONDO:0012274, OMIM 609441.

Allele frequency attached by ClinVar (database versions not stated): TOPMed below 0.00001; gnomAD 0.00001.
gnomAD v4.1: 3 of 1,613,578 alleles (0.00019%); highest among the groups gnomAD compares: East Asian, 0.0045%; no homozygotes.

Submission:

Labcorp Genetics (formerly Invitae), Labcorp
Classification: Uncertain significance for Type A2 brachydactyly; Acromesomelic dysplasia 3. Last evaluated: 2022-11-06. Review status: criteria provided, single submitter. Criteria: Invitae Variant Classification Sherloc (09022015). Collection method: clinical testing. Allele origin: germline.
Comment: Advanced modeling of protein sequence and biophysical properties (such as structural, functional, and spatial information, amino acid conservation, physicochemical variation, residue mobility, and thermodynamic stability) performed at Invitae indicates that this missense variant is not expected to disrupt BMPR1B protein function. This variant has not been reported in the literature in individuals affected with BMPR1B-related conditions. The frequency data for this variant in the population databases is considered unreliable, as metrics indicate poor data quality at this position in the gnomAD database. This sequence change replaces aspartic acid, which is acidic and polar, with asparagine, which is neutral and polar, at codon 166 of the BMPR1B protein (p.Asp166Asn). In summary, the available evidence is currently insufficient to determine the role of this variant in disease. Therefore, it has been classified as a Variant of Uncertain Significance.

NM_001203.3(BMPR1B):c.496G>A (p.Asp166Asn)

Gene: BMPR1B (bone morphogenetic protein receptor type 1B; plus strand). Cytogenetic location: 4q22.3.
Variant type: single nucleotide variant.
Coding change: c.496G>A on transcript NM_001203.3 (MANE Select); coding-DNA position 496, G replaced by A.
Protein change: p.Asp166Asn; replaces aspartic acid 166 with asparagine.
Molecular consequence: missense variant.
Genome position (GRCh38, 1-based): chr4:95,125,032, G>A. VCF-style: chr4-95125032-G-A. GRCh37 (hg19) VCF-style: chr4-96046183-G-A.
Other names: c.496G>A, p.Asp166Asn (NM_001256792.2, NM_001256794.1); c.586G>A, p.Asp196Asn (NM_001256793.2); short protein forms D166N, D196N.
Identifiers: ClinVar variation 2933021 (VCV002933021.3), dbSNP rs752156962, ClinGen allele CA3015002.